The following is an entry in ClinVar:

NM_001004334.4(GPR179):c.362C>T (p.Ser121Phe)

Gene: GPR179 (G protein-coupled receptor 179; minus strand). Cytogenetic location: 17q12.
Variant type: single nucleotide variant.
Coding change: c.362C>T on transcript NM_001004334.4 (MANE Select); coding-DNA position 362, C replaced by T.
Protein change: p.Ser121Phe; replaces serine 121 with phenylalanine.
Molecular consequence: missense variant.
Genome position (GRCh38, 1-based): chr17:38,343,428, G>A on the plus strand (C>T on the coding strand, the complement: GPR179 is on the minus strand). VCF-style: chr17-38343428-G-A. GRCh37 (hg19) VCF-style: chr17-36499311-G-A.
Other names: short protein forms S121F.
Identifiers: ClinVar variation 3250092 (VCV003250092.4).
Genomic context (GRCh38, chr17:38,343,428, plus strand): 5'-TCCCCCTCGGCCACGCTGCGGACCAGTGCCTGGTACCATTCCACATCCTCCTCCACACTG[G>A]ACTCACGGATGTCGTTGGCTTGCAGCAGCATGTTGAGAAAATTGGCGGCCTGGGCAAGGG-3'
Protein context (NP_001004334.3, residues 111-131): MLLQANDIRE[Ser121Phe]SVEEDVEWYQ

ClinVar aggregate classification (germline): Uncertain significance. Review status: criteria provided, multiple submitters, no conflicts (2 of 4 stars). 3 submissions from 3 submitters: Uncertain significance (2). 1 of the submissions does not count toward it. Last evaluated 2024-11-11.

Conditions:
Optic atrophy. Identifiers: MedGen C0029124, MONDO:0003608, HP:0000648.

gnomAD v4.1: 2 of 1,614,116 alleles (0.00012%); highest among the groups gnomAD compares: Non-Finnish European, 0.000085%; no homozygotes.

Submissions (3):

Labcorp Genetics (formerly Invitae), Labcorp
Classification: Uncertain significance. Last evaluated: 2024-11-11. Review status: criteria provided, single submitter. Criteria: Invitae Variant Classification Sherloc (09022015). Collection method: clinical testing. Allele origin: germline.
Comment: This sequence change replaces serine, which is neutral and polar, with phenylalanine, which is neutral and non-polar, at codon 121 of the GPR179 protein (p.Ser121Phe). This variant is not present in population databases (gnomAD no frequency). This variant has not been reported in the literature in individuals affected with GPR179-related conditions. An algorithm developed to predict the effect of missense changes on protein structure and function (PolyPhen-2) suggests that this variant is likely to be disruptive. In summary, the available evidence is currently insufficient to determine the role of this variant in disease. Therefore, it has been classified as a Variant of Uncertain Significance.

Blueprint Genetics
Classification: Uncertain significance. Last evaluated: 2024-10-24. Review status: criteria provided, single submitter. Criteria: ACMG Guidelines, 2015. Collection method: clinical testing. Allele origin: germline.

Institute of Human Genetics, Univ. Regensburg, Univ. Regensburg
Classification: Uncertain significance for Optic atrophy. Last evaluated: 2022-01-01. Review status: no assertion criteria provided. Criteria: ACMG Guidelines, 2015. Collection method: clinical testing. Allele origin: germline. Affected: yes. Not counted in ClinVar's aggregate classification.